The following is an entry in ClinVar:

NM_014244.5(ADAMTS2):c.70_72delinsTCTCTTATAC (p.Pro24fs)

Gene: ADAMTS2 (ADAM metallopeptidase with thrombospondin type 1 motif 2; minus strand). Cytogenetic location: 5q35.3.
Variant type: Indel.
Coding change: c.70_72delinsTCTCTTATAC on transcript NM_014244.5 (MANE Select); coding-DNA positions 70 to 72, CCG replaced by TCTCTTATAC.
Protein change: p.Pro24fs; shifts the reading frame from proline 24.
Molecular consequence: frameshift variant.
Genome position (GRCh38, 1-based): chr5:179,345,257-179,345,259, CGG replaced by GTATAAGAGA on the plus strand (CCG replaced by TCTCTTATAC on the coding strand, the reverse complement: ADAMTS2 is on the minus strand). VCF-style: chr5-179345257-CGG-GTATAAGAGA. GRCh37 (hg19) VCF-style: chr5-178772258-CGG-GTATAAGAGA.
Other names: c.70_72delinsTCTCTTATAC, p.Pro24fs (NM_021599.4); short protein forms P24fs.
Identifiers: ClinVar variation 5010611 (VCV005010611.1).

ClinVar aggregate classification (germline): Pathogenic (1 of 4 stars; one submission).

Conditions:
Ehlers-Danlos syndrome, dermatosparaxis type. Also called: EDS VIIC; Dermatosparaxis; Ehlers-Danlos syndrome, type VII, autosomal recessive. Identifiers: Orphanet 1901, MedGen C2700425, MONDO:0009161, OMIM 225410.

Submission:

Myriad Genetics, Inc.
Classification: Pathogenic for Ehlers-Danlos syndrome, dermatosparaxis type. Last evaluated: 2024-05-14. Review status: criteria provided, single submitter. Criteria: Myriad Autosomal Dominant, Autosomal Recessive and X-Linked Classification Criteria (2023). Collection method: clinical testing. Allele origin: unknown.
Comment: NM_014244.4(ADAMTS2):c.70_72del3ins10(P24Sfs*44) is expected to be pathogenic in the context of Ehlers-Danlos syndrome, ADAMTS2-related. This variant is predicted to lead to an abnormal or absent protein product due to the creation of a premature termination codon in ADAMTS2, a gene where loss-of-function variants are known to be pathogenic. Please note: this variant was assessed in the context of healthy population screening.